The following is an entry in ClinVar:

ClinVar aggregate classification (germline): Pathogenic (1 of 4 stars; one submission).

Conditions:
Neurofibromatosis, type 1 (NF1). Also called: VON RECKLINGHAUSEN DISEASE; NEUROFIBROMATOSIS, TYPE I, SOMATIC; Peripheral type neurofibromatosis; Neurofibromatosis, type I. Identifiers: Orphanet 636, MedGen C0027831, MONDO:0018975, OMIM 162200. Disease mechanism: loss of function.

Submission:

Labcorp Genetics (formerly Invitae), Labcorp
Classification: Pathogenic for Neurofibromatosis, type 1. Last evaluated: 2023-09-10. Review status: criteria provided, single submitter. Criteria: Invitae Variant Classification Sherloc (09022015). Collection method: clinical testing. Allele origin: germline.
Comment: This premature translational stop signal has been observed in individual(s) with type 1 neurofibromatosis (PMID: 35240321). This variant is not present in population databases (gnomAD no frequency). This sequence change creates a premature translational stop signal (p.Trp425Cysfs*48) in the NF1 gene. It is expected to result in an absent or disrupted protein product. Loss-of-function variants in NF1 are known to be pathogenic (PMID: 10712197, 23913538). For these reasons, this variant has been classified as Pathogenic.

Literature cited by the submitters: PubMed 35240321; PubMed 10712197; PubMed 23913538.

NM_001042492.3(NF1):c.1275del (p.Trp425fs)

Gene: NF1 (neurofibromin 1; plus strand). Cytogenetic location: 17q11.2.
Variant type: Deletion.
Coding change: c.1275del on transcript NM_001042492.3 (MANE Select); coding-DNA position 1275, one base deleted (G; older notation c.1275delG).
Protein change: p.Trp425fs; shifts the reading frame from tryptophan 425.
Molecular consequence: frameshift variant.
Genome position (GRCh38, 1-based): chr17:31,206,254, G deleted; the last of 2 consecutive G bases (chr17:31,206,253-31,206,254); deleting either gives the same sequence. VCF-style (leftmost placement, unchanged base first): chr17-31206252-TG-T. GRCh37 (hg19) VCF-style: chr17-29533270-TG-T.
Other names: c.1275delG, p.Trp425Cysfs (NM_000267.4); c.1275del, p.Trp425fs (NM_001128147.3); short protein forms W425fs.
Identifiers: ClinVar variation 2759798 (VCV002759798.3), dbSNP rs2544810853, ClinGen allele CA2695224759.
Genomic context (GRCh38, chr17:31,206,252, plus strand): 5'-CACGTAATTTTGTACTTTTTCTTCCTATTGGTCTTTGTTTTTCTCTAGTCCGCATTGGAT[TG>T]GTGGCCTAAGATTGATGCTGTGTATTGTCACTCGGTTGAACTTCGAAATATGTTTGGTGA-3'